The following is an entry in ClinVar:

ClinVar aggregate classification (germline): Uncertain significance (1 of 4 stars; one submission).

Submission:

Labcorp Genetics (formerly Invitae), Labcorp
Classification: Uncertain significance. Last evaluated: 2023-01-28. Review status: criteria provided, single submitter. Criteria: Invitae Variant Classification Sherloc (09022015). Collection method: clinical testing. Allele origin: germline.
Comment: In summary, the available evidence is currently insufficient to determine the role of this variant in disease. Therefore, it has been classified as a Variant of Uncertain Significance. Algorithms developed to predict the effect of missense changes on protein structure and function are either unavailable or do not agree on the potential impact of this missense change (SIFT: "Deleterious"; PolyPhen-2: "Benign"; Align-GVGD: "Class C35"). This variant has not been reported in the literature in individuals affected with DSTYK-related conditions. This variant is not present in population databases (gnomAD no frequency). This sequence change replaces arginine, which is basic and polar, with serine, which is neutral and polar, at codon 300 of the DSTYK protein (p.Arg300Ser).

NM_015375.3(DSTYK):c.900A>C (p.Arg300Ser)

Gene: DSTYK (dual serine/threonine and tyrosine protein kinase; minus strand). Cytogenetic location: 1q32.1.
Variant type: single nucleotide variant.
Coding change: c.900A>C on transcript NM_015375.3 (MANE Select); coding-DNA position 900, A replaced by C.
Protein change: p.Arg300Ser; replaces arginine 300 with serine.
Molecular consequence: missense variant.
Genome position (GRCh38, 1-based): chr1:205,169,587, T>G on the plus strand (A>C on the coding strand, the complement: DSTYK is on the minus strand). VCF-style: chr1-205169587-T-G. GRCh37 (hg19) VCF-style: chr1-205138715-T-G.
Other names: c.900A>C, p.Arg300Ser (NM_199462.3); short protein forms R300S.
Identifiers: ClinVar variation 2829907 (VCV002829907.3), dbSNP rs112310216, ClinGen allele CA344401830.
Genomic context (GRCh38, chr1:205,169,587, plus strand): 5'-ACAGTTCCAGTGACTGCTGCTCAGATAGCCCAGGTCAATTAGCTGGCGATAAAGCGGTGA[T>G]CTTTCGCTCTCCATTCTCCTGGTTGAGGAGTCTATTATCTCCGAGCCCAGTTTCGGCACT-3'
Protein context (NP_056190.1, residues 290-310): DSSTRRMESE[Arg300Ser]SPLYRQLIDL